The following is an entry in ClinVar:

NM_201384.3(PLEC):c.11828C>A (p.Thr3943Asn)

Gene: PLEC (plectin; minus strand). Cytogenetic location: 8q24.3.
Variant type: single nucleotide variant.
Coding change: c.11828C>A on transcript NM_201384.3 (MANE Select); coding-DNA position 11828, C replaced by A.
Protein change: p.Thr3943Asn; replaces threonine 3943 with asparagine.
Molecular consequence: missense variant.
Genome position (GRCh38, 1-based): chr8:143,917,993, G>T on the plus strand (C>A on the coding strand, the complement: PLEC is on the minus strand). VCF-style: chr8-143917993-G-T. GRCh37 (hg19) VCF-style: chr8-144992161-G-T.
Other names: c.11909C>A, p.Thr3970Asn (NM_000445.5); c.11786C>A, p.Thr3929Asn (NM_201378.4); c.11762C>A, p.Thr3921Asn (NM_201379.3); c.12239C>A, p.Thr4080Asn (NM_201380.4); c.11732C>A, p.Thr3911Asn (NM_201381.3); c.11828C>A, p.Thr3943Asn (NM_201382.4); c.11840C>A, p.Thr3947Asn (NM_201383.3); short protein forms T3911N, T3921N, T3929N, T3943N, T3947N, T3970N, T4080N.
Identifiers: ClinVar variation 390797 (VCV000390797.13), dbSNP rs143553082, ClinGen allele CA4924238.

ClinVar aggregate classification (germline): Likely benign. Review status: criteria provided, multiple submitters, no conflicts (2 of 4 stars). 3 submissions from 3 submitters: Likely benign (3). Last evaluated 2026-02-14.

Conditions:
PLEC-related disorder. Also called: PLEC-related disorders; PLEC-related condition.
Autosomal recessive limb-girdle muscular dystrophy type 2Q (LGMDR17). Also called: MUSCULAR DYSTROPHY, LIMB-GIRDLE, AUTOSOMAL RECESSIVE 17. Identifiers: Orphanet 254361, MedGen C3150989, MONDO:0013390, OMIM 613723.
Epidermolysis bullosa simplex 5B, with muscular dystrophy (EBS5B). Also called: EPIDERMOLYSIS BULLOSA SIMPLEX AND LIMB-GIRDLE MUSCULAR DYSTROPHY; Epidermolysis bullosa simplex with muscular dystrophy. Identifiers: Orphanet 257, MedGen C2931072, MONDO:0009181, OMIM 226670.
Epidermolysis bullosa simplex with nail dystrophy (EBS5D). Identifiers: MedGen C4225309, MONDO:0014661, OMIM 616487.
Epidermolysis bullosa simplex, Ogna type (EBS5A). Also called: Pidermolysis bullosa simplex 5A, Ogna type; EPIDERMOLYSIS BULLOSA SIMPLEX 5A, OGNA TYPE. Identifiers: Orphanet 79401, MedGen C0432317, MONDO:0007555, OMIM 131950.
Epidermolysis bullosa simplex 5C, with pyloric atresia (EBS5C). Also called: PLEC1-Related Epidermolysis Bullosa with Pyloric Atresia; PLEC-Related Epidermolysis Bullosa with Pyloric Atresia; Epidermolysis bullosa simplex with pyloric atresia. Identifiers: Orphanet 158684, MedGen C2677349, MONDO:0012807, OMIM 612138.

Allele frequency attached by ClinVar (database versions not stated): gnomAD exomes 0.00007 and 0.00036; gnomAD 0.00014 and 0.00015; TOPMed 0.00017; ExAC 0.00035; 1000 Genomes Project 0.00060; 1000 Genomes Project 30x 0.00062.
gnomAD v4.1: 133 of 1,612,506 alleles (0.0082%); highest among the groups gnomAD compares: East Asian, 0.28%; 2 homozygotes.

Submissions (3):

PreventionGenetics, part of Exact Sciences
Classification: Likely benign for PLEC-related condition. Last evaluated: 2026-02-14. Review status: criteria provided, single submitter. Criteria: ACMG Guidelines, 2015. Collection method: clinical testing. Allele origin: germline.
Comment: This variant is classified as likely benign based on ACMG/AMP sequence variant interpretation guidelines (Richards et al. 2015 PMID: 25741868, with internal and published modifications).

Labcorp Genetics (formerly Invitae), Labcorp
Classification: Likely benign for Autosomal recessive limb-girdle muscular dystrophy type 2Q; Epidermolysis bullosa simplex, Ogna type; Epidermolysis bullosa simplex with nail dystrophy; Epidermolysis bullosa simplex 5C, with pyloric atresia; Epidermolysis bullosa simplex 5B, with muscular dystrophy. Last evaluated: 2024-07-27. Review status: criteria provided, single submitter. Criteria: Invitae Variant Classification Sherloc (09022015). Collection method: clinical testing. Allele origin: germline.

GeneDx
Classification: Likely benign. Last evaluated: 2016-11-22. Review status: criteria provided, single submitter. Criteria: GeneDx Variant Classification (06012015). Collection method: clinical testing. Allele origin: germline. Affected: yes.
Comment: This variant is considered likely benign or benign based on one or more of the following criteria: it is a conservative change, it occurs at a poorly conserved position in the protein, it is predicted to be benign by multiple in silico algorithms, and/or has population frequency not consistent with disease.